The following is an entry in ClinVar:

ClinVar aggregate classification (germline): Uncertain significance (1 of 4 stars; one submission).

Submission:

GeneDx
Classification: Uncertain significance. Last evaluated: 2025-03-26. Review status: criteria provided, single submitter. Criteria: GeneDx Variant Classification Process June 2021. Collection method: clinical testing. Allele origin: germline. Affected: yes.
Comment: In-frame deletion of 1 amino acid in a non-repeat region; Not observed at significant frequency in large population cohorts (gnomAD); In silico analysis supports a deleterious effect on protein structure/function; Has not been previously published as pathogenic or benign to our knowledge

NM_001042681.2(RERE):c.1961_1963del (p.Val654del)

Gene: RERE (arginine-glutamic acid dipeptide repeats; minus strand). Cytogenetic location: 1p36.23.
Variant type: Deletion.
Coding change: c.1961_1963del on transcript NM_001042681.2 (MANE Select); coding-DNA positions 1961 to 1963, 3 bases deleted (TGG; older notation c.1961_1963delTGG).
Protein change: p.Val654del; deletes valine 654.
Molecular consequence: inframe deletion.
Genome position (GRCh38, 1-based): chr1:8,361,816-8,361,818, CCA deleted on the plus strand (TGG on the coding strand, the reverse complement: RERE is on the minus strand); deleting any 3 consecutive bases within chr1:8,361,816-8,361,820 gives the same sequence; the c. name uses the placement nearest the transcript's 3' end. VCF-style (leftmost placement, unchanged base first): chr1-8361815-GCCA-G. GRCh37 (hg19) VCF-style: chr1-8421875-GCCA-G.
Other names: c.299_301del, p.Val100del (NM_001042682.2); c.1961_1963del, p.Val654del (NM_012102.4); short protein forms V100del, V654del.
Identifiers: ClinVar variation 4278618 (VCV004278618.1).